The following is an entry in ClinVar:

ClinVar aggregate classification (germline): Uncertain significance (1 of 4 stars; one submission).

Conditions:
Progressive myoclonic epilepsy. Also called: Familial progressive myoclonic epilepsy; Myoclonic Epilepsies, Progressive; Myoclonus epilepsy; Progressive myoclonus epilepsy. Identifiers: Orphanet 308, Orphanet 98261, MedGen C0751778, MONDO:0020074.

Allele frequency attached by ClinVar (database versions not stated): gnomAD exomes below 0.00001; ExAC 0.00001; gnomAD 0.00001; TOPMed 0.00001.
gnomAD v4.1: 17 of 1,557,850 alleles (0.0011%); highest among the groups gnomAD compares: East Asian, 0.0067%; no homozygotes.

Submission:

Labcorp Genetics (formerly Invitae), Labcorp
Classification: Uncertain significance for Progressive myoclonic epilepsy. Last evaluated: 2022-08-16. Review status: criteria provided, single submitter. Criteria: Invitae Variant Classification Sherloc (09022015). Collection method: clinical testing. Allele origin: germline.
Comment: This sequence change replaces threonine, which is neutral and polar, with methionine, which is neutral and non-polar, at codon 24 of the GOSR2 protein (p.Thr24Met). This variant is present in population databases (rs528931142, gnomAD 0.005%). This variant has not been reported in the literature in individuals affected with GOSR2-related conditions. ClinVar contains an entry for this variant (Variation ID: 568150). Algorithms developed to predict the effect of missense changes on protein structure and function are either unavailable or do not agree on the potential impact of this missense change (SIFT: "Deleterious"; PolyPhen-2: "Benign"; Align-GVGD: "Class C0"). In summary, the available evidence is currently insufficient to determine the role of this variant in disease. Therefore, it has been classified as a Variant of Uncertain Significance.

NM_004287.5(GOSR2):c.71C>T (p.Thr24Met)

Genes: GOSR2 (golgi SNAP receptor complex member 2; plus strand), LRRC37A2 (leucine rich repeat containing 37 member A2). Cytogenetic location: 17q21.32.
Variant type: single nucleotide variant.
Coding change: c.71C>T on transcript NM_004287.5 (MANE Select); coding-DNA position 71, C replaced by T.
Protein change: p.Thr24Met; replaces threonine 24 with methionine.
Molecular consequence: missense variant. On other transcripts: non-coding transcript variant (3).
Genome position (GRCh38, 1-based): chr17:46,929,561, C>T. VCF-style: chr17-46929561-C-T. GRCh37 (hg19) VCF-style: chr17-45006927-C-T.
Other names: c.71C>T, p.Thr24Met (NM_001012511.3, NM_001321133.2, NM_001330252.2 and 4 more transcripts); c.17C>T, p.Thr6Met (NM_001321134.2, NM_001363851.2); short protein forms T24M, T6M.
Identifiers: ClinVar variation 568150 (VCV000568150.8), dbSNP rs528931142, ClinGen allele CA8621130.